The following is an entry in ClinVar:

NM_013296.5(GPSM2):c.1870C>T (p.Pro624Ser)

Genes: CLCC1 (chloride channel CLIC like 1; minus strand), GPSM2 (G protein signaling modulator 2; plus strand). Cytogenetic location: 1p13.3.
Variant type: single nucleotide variant.
Coding change: c.1870C>T on transcript NM_013296.5 (MANE Select); coding-DNA position 1870, C replaced by T.
Protein change: p.Pro624Ser; replaces proline 624 with serine.
Molecular consequence: missense variant. On other transcripts: 3 prime UTR variant (17), non-coding transcript variant (1).
Genome position (GRCh38, 1-based): chr1:108,929,755, C>T. VCF-style: chr1-108929755-C-T. GRCh37 (hg19) VCF-style: chr1-109472377-C-T.
Other names: c.*2792G>A (NM_001048210.3, NM_001278202.2, NM_001278203.1 and 10 more transcripts); c.*2797G>A (NM_001377459.1, NM_001377460.1, NM_001377462.1 and 1 more transcripts); c.1870C>T, p.Pro624Ser (NM_001321038.2, NM_001321039.3); short protein forms P624S.
Identifiers: ClinVar variation 1472245 (VCV001472245.6), dbSNP rs763208536, ClinGen allele CA983208.

ClinVar aggregate classification (germline): Uncertain significance (1 of 4 stars; one submission).

Allele frequency attached by ClinVar (database versions not stated): gnomAD exomes below 0.00001; ExAC 0.00001; gnomAD 0.00002 and 0.00003.
gnomAD v4.1: 7 of 1,612,788 alleles (0.00043%); highest among the groups gnomAD compares: African/African-American, 0.0067%; no homozygotes.

Submission:

Labcorp Genetics (formerly Invitae), Labcorp
Classification: Uncertain significance. Last evaluated: 2021-08-28. Review status: criteria provided, single submitter. Criteria: Invitae Variant Classification Sherloc (09022015). Collection method: clinical testing. Allele origin: germline.
Comment: This variant has not been reported in the literature in individuals affected with GPSM2-related conditions. This variant is present in population databases (rs763208536, ExAC 0.01%). This sequence change replaces proline with serine at codon 624 of the GPSM2 protein (p.Pro624Ser). The proline residue is moderately conserved and there is a moderate physicochemical difference between proline and serine. In summary, the available evidence is currently insufficient to determine the role of this variant in disease. Therefore, it has been classified as a Variant of Uncertain Significance. Algorithms developed to predict the effect of missense changes on protein structure and function (SIFT, PolyPhen-2, Align-GVGD) all suggest that this variant is likely to be tolerated.